The following is an entry in ClinVar:

NM_001005242.3(PKP2):c.232C>A (p.His78Asn)

Gene: PKP2 (plakophilin 2; minus strand). Cytogenetic location: 12p11.21.
Variant type: single nucleotide variant.
Coding change: c.232C>A on transcript NM_001005242.3 (MANE Select); coding-DNA position 232, C replaced by A.
Protein change: p.His78Asn; replaces histidine 78 with asparagine.
Molecular consequence: missense variant.
Genome position (GRCh38, 1-based): chr12:32,879,024, G>T on the plus strand (C>A on the coding strand, the complement: PKP2 is on the minus strand). VCF-style: chr12-32879024-G-T. GRCh37 (hg19) VCF-style: chr12-33031958-G-T.
Other names: c.232C>A, p.His78Asn (NM_004572.4); short protein forms H78N.
Identifiers: ClinVar variation 919035 (VCV000919035.5), dbSNP rs1956962463, ClinGen allele CA384366677.

ClinVar aggregate classification (germline): Uncertain significance (1 of 4 stars; one submission).

Conditions:
Cardiomyopathy (CMYO). Also called: Cardiomyopathies. Identifiers: Orphanet 167848, MedGen C0878544, MONDO:0004994, HP:0001638. Inheritance: Various modes of inheritance.

Submission:

Color Diagnostics, LLC DBA Color Health
Classification: Uncertain significance for Cardiomyopathy. Last evaluated: 2023-12-05. Review status: criteria provided, single submitter. Criteria: ACMG Guidelines, 2015. Collection method: clinical testing. Allele origin: germline.
Comment: This missense variant replaces histidine with asparagine at codon 78 of the PKP2 protein. Computational prediction tools and conservation analyses are inconclusive regarding the impact of this variant on the protein function. Computational splicing tools suggest that this variant may not impact RNA splicing. To our knowledge, functional assays have not been performed for this variant nor has this variant been reported in individuals affected with cardiovascular disorders in the literature. This variant has not been identified in the general population by the Genome Aggregation Database (gnomAD). Available evidence is insufficient to determine the role of this variant in disease conclusively. Therefore, this variant is classified as a Variant of Uncertain Significance.